The following is an entry in ClinVar:

ClinVar aggregate classification (germline): Uncertain significance. Review status: criteria provided, multiple submitters, no conflicts (2 of 4 stars). 3 submissions from 3 submitters: Uncertain significance (3). Last evaluated 2025-11-03.

Conditions:
Epidermolysis bullosa simplex 5B, with muscular dystrophy (EBS5B). Also called: EPIDERMOLYSIS BULLOSA SIMPLEX AND LIMB-GIRDLE MUSCULAR DYSTROPHY; Epidermolysis bullosa simplex with muscular dystrophy. Identifiers: Orphanet 257, MedGen C2931072, MONDO:0009181, OMIM 226670.
Epidermolysis bullosa simplex, Ogna type (EBS5A). Also called: EPIDERMOLYSIS BULLOSA SIMPLEX 5A, OGNA TYPE; Pidermolysis bullosa simplex 5A, Ogna type. Identifiers: Orphanet 79401, MedGen C0432317, MONDO:0007555, OMIM 131950.
Epidermolysis bullosa simplex 5C, with pyloric atresia (EBS5C). Also called: PLEC1-Related Epidermolysis Bullosa with Pyloric Atresia; PLEC-Related Epidermolysis Bullosa with Pyloric Atresia; Epidermolysis bullosa simplex with pyloric atresia. Identifiers: Orphanet 158684, MedGen C2677349, MONDO:0012807, OMIM 612138.
Epidermolysis bullosa simplex with nail dystrophy (EBS5D). Identifiers: MedGen C4225309, MONDO:0014661, OMIM 616487.
Autosomal recessive limb-girdle muscular dystrophy type 2Q (LGMDR17). Also called: MUSCULAR DYSTROPHY, LIMB-GIRDLE, AUTOSOMAL RECESSIVE 17. Identifiers: Orphanet 254361, MedGen C3150989, MONDO:0013390, OMIM 613723.

Allele frequency attached by ClinVar (database versions not stated): gnomAD exomes 0.00008; ExAC 0.00013; gnomAD 0.00026 and 0.00027; TOPMed 0.00029; ESP Exome Variant Server 0.00039; 1000 Genomes Project 0.00100; 1000 Genomes Project 30x 0.00125.
gnomAD v4.1: 101 of 1,612,302 alleles (0.0063%); highest among the groups gnomAD compares: African/African-American, 0.065%; no homozygotes.

Submissions (3):

Labcorp Genetics (formerly Invitae), Labcorp
Classification: Uncertain significance for Autosomal recessive limb-girdle muscular dystrophy type 2Q; Epidermolysis bullosa simplex, Ogna type; Epidermolysis bullosa simplex with nail dystrophy; Epidermolysis bullosa simplex 5C, with pyloric atresia; Epidermolysis bullosa simplex 5B, with muscular dystrophy. Last evaluated: 2025-11-03. Review status: criteria provided, single submitter. Criteria: Invitae Variant Classification Sherloc (09022015). Collection method: clinical testing. Allele origin: germline.
Comment: This sequence change replaces arginine, which is basic and polar, with tryptophan, which is neutral and slightly polar, at codon 255 of the PLEC protein (p.Arg255Trp). This variant is present in population databases (rs200249446, gnomAD 0.08%). This variant has not been reported in the literature in individuals affected with PLEC-related conditions. ClinVar contains an entry for this variant (Variation ID: 451958). Invitae Evidence Modeling of protein sequence and biophysical properties (such as structural, functional, and spatial information, amino acid conservation, physicochemical variation, residue mobility, and thermodynamic stability) indicates that this missense variant is not expected to disrupt PLEC protein function with a negative predictive value of 80%. In summary, the available evidence is currently insufficient to determine the role of this variant in disease. Therefore, it has been classified as a Variant of Uncertain Significance.

Revvity Omics, Revvity
Classification: Uncertain significance. Last evaluated: 2024-12-18. Review status: criteria provided, single submitter. Criteria: ACMG Guidelines, 2015. Collection method: clinical testing. Allele origin: germline.

GeneDx
Classification: Uncertain significance. Last evaluated: 2024-08-06. Review status: criteria provided, single submitter. Criteria: GeneDx Variant Classification Process June 2021. Collection method: clinical testing. Allele origin: germline. Affected: yes.
Comment: In silico analysis supports that this missense variant has a deleterious effect on protein structure/function; Missense variant in a gene in which most reported pathogenic variants are truncating/loss of function; Has not been previously published as pathogenic or benign to our knowledge; This variant is associated with the following publications: (PMID: 28719003, 30161220)

NM_201384.3(PLEC):c.682C>T (p.Arg228Trp)

Gene: PLEC (plectin; minus strand). Cytogenetic location: 8q24.3.
Variant type: single nucleotide variant.
Coding change: c.682C>T on transcript NM_201384.3 (MANE Select); coding-DNA position 682, C replaced by T.
Protein change: p.Arg228Trp; replaces arginine 228 with tryptophan.
Molecular consequence: missense variant.
Genome position (GRCh38, 1-based): chr8:143,935,234, G>A on the plus strand (C>T on the coding strand, the complement: PLEC is on the minus strand). VCF-style: chr8-143935234-G-A. GRCh37 (hg19) VCF-style: chr8-145009402-G-A.
Other names: c.763C>T, p.Arg255Trp (NM_000445.5); c.640C>T, p.Arg214Trp (NM_201378.4); c.616C>T, p.Arg206Trp (NM_201379.3); c.1093C>T, p.Arg365Trp (NM_201380.4); c.586C>T, p.Arg196Trp (NM_201381.3); c.682C>T, p.Arg228Trp (NM_201382.4); c.694C>T, p.Arg232Trp (NM_201383.3); short protein forms R196W, R206W, R214W, R228W, R232W, R255W, R365W.
Identifiers: ClinVar variation 451958 (VCV000451958.12), dbSNP rs200249446, ClinGen allele CA4928352.